The following is an entry in ClinVar:

ClinVar aggregate classification (germline): Uncertain significance. Review status: criteria provided, multiple submitters, no conflicts (2 of 4 stars). 2 submissions from 2 submitters: Uncertain significance (2). Last evaluated 2026-01-05.

gnomAD v4.1: 25 of 1,614,126 alleles (0.0015%); highest among the groups gnomAD compares: Middle Eastern, 0.016%; no homozygotes.

Submissions (2):

Labcorp Genetics (formerly Invitae), Labcorp
Classification: Uncertain significance. Last evaluated: 2026-01-05. Review status: criteria provided, single submitter. Criteria: Invitae Variant Classification Sherloc (09022015). Collection method: clinical testing. Allele origin: germline.
Comment: This sequence change replaces alanine, which is neutral and non-polar, with threonine, which is neutral and polar, at codon 711 of the SLC7A14 protein (p.Ala711Thr). This variant is present in population databases (rs549360635, gnomAD 0.01%). This variant has not been reported in the literature in individuals affected with SLC7A14-related conditions. ClinVar contains an entry for this variant (Variation ID: 1513411). An algorithm developed to predict the effect of missense changes on protein structure and function (PolyPhen-2) suggests that this variant is likely to be tolerated. In summary, the available evidence is currently insufficient to determine the role of this variant in disease. Therefore, it has been classified as a Variant of Uncertain Significance.

Blueprint Genetics
Classification: Uncertain significance. Last evaluated: 2023-11-22. Review status: criteria provided, single submitter. Criteria: ACMG Guidelines, 2015. Collection method: clinical testing. Allele origin: germline.

NM_020949.3(SLC7A14):c.2131G>A (p.Ala711Thr)

Gene: SLC7A14 (solute carrier family 7 member 14; minus strand). Cytogenetic location: 3q26.2.
Variant type: single nucleotide variant.
Coding change: c.2131G>A on transcript NM_020949.3 (MANE Select); coding-DNA position 2131, G replaced by A.
Protein change: p.Ala711Thr; replaces alanine 711 with threonine.
Molecular consequence: missense variant.
Genome position (GRCh38, 1-based): chr3:170,467,240, C>T on the plus strand (G>A on the coding strand, the complement: SLC7A14 is on the minus strand). VCF-style: chr3-170467240-C-T. GRCh37 (hg19) VCF-style: chr3-170185028-C-T.
Other names: short protein forms A711T.
Identifiers: ClinVar variation 1513411 (VCV001513411.9), dbSNP rs549360635, ClinGen allele CA2701500.